The following is an entry in ClinVar:

ClinVar aggregate classification (germline): Uncertain significance. Review status: criteria provided, multiple submitters, no conflicts (2 of 4 stars). 2 submissions from 2 submitters: Uncertain significance (2). Last evaluated 2025-03-28.

Conditions:
GDF5-related disorder. Also called: GDF5-related condition; GDF5 (CDMP1)-related disorder. Identifiers: MedGen CN169990.

Submissions (2):

PreventionGenetics, part of Exact Sciences
Classification: Uncertain significance for GDF5-related condition. Last evaluated: 2025-03-28. Review status: criteria provided, single submitter. Criteria: ACMG Guidelines, 2015. Collection method: clinical testing. Allele origin: germline.
Comment: The GDF5 c.518T>G variant is predicted to result in the amino acid substitution p.Met173Arg. To our knowledge, this variant has not been reported in the literature or in a large population database, indicating it is rare. A different missense change impacting the same amino acid (p.Met173Val) has been reported in the homozygous state in multiple affected members of a consanguineous Turkish family with brachydactyly (Schwabe et al. 2004. PubMed ID: 14735582). At this time, the clinical significance of the c.518T>C (p.Met173Arg) variant is uncertain due to the absence of conclusive functional and genetic evidence.

Labcorp Genetics (formerly Invitae), Labcorp
Classification: Uncertain significance. Last evaluated: 2021-09-20. Review status: criteria provided, single submitter. Criteria: Invitae Variant Classification Sherloc (09022015). Collection method: clinical testing. Allele origin: germline.
Comment: This sequence change replaces methionine with arginine at codon 173 of the GDF5 protein (p.Met173Arg). The methionine residue is highly conserved and there is a moderate physicochemical difference between methionine and arginine. This variant is not present in population databases (ExAC no frequency). This missense change has been observed in individual(s) with GDF5-related conditions (Invitae). Algorithms developed to predict the effect of missense changes on protein structure and function are either unavailable or do not agree on the potential impact of this missense change (SIFT: "Deleterious"; PolyPhen-2: "Possibly Damaging"; Align-GVGD: "Class C0"). In summary, the available evidence is currently insufficient to determine the role of this variant in disease. Therefore, it has been classified as a Variant of Uncertain Significance.

NM_000557.5(GDF5):c.518T>G (p.Met173Arg)

Gene: GDF5 (growth differentiation factor 5; minus strand). Cytogenetic location: 20q11.22.
Variant type: single nucleotide variant.
Coding change: c.518T>G on transcript NM_000557.5 (MANE Select); coding-DNA position 518, T replaced by G.
Protein change: p.Met173Arg; replaces methionine 173 with arginine.
Molecular consequence: missense variant.
Genome position (GRCh38, 1-based): chr20:35,437,411, A>C on the plus strand (T>G on the coding strand, the complement: GDF5 is on the minus strand). VCF-style: chr20-35437411-A-C. GRCh37 (hg19) VCF-style: chr20-34025191-A-C.
Other names: c.518T>G, p.Met173Arg (NM_001319138.2); c.518T>G (NM_000557.4); short protein forms M173R.
Identifiers: ClinVar variation 1382444 (VCV001382444.8), dbSNP rs2062477254, ClinGen allele CA408743346.